The following is an entry in ClinVar:

ClinVar aggregate classification (germline): Uncertain significance (1 of 4 stars; one submission).

Submission:

GeneDx
Classification: Uncertain significance. Last evaluated: 2025-05-02. Review status: criteria provided, single submitter. Criteria: GeneDx Variant Classification Process June 2021. Collection method: clinical testing. Allele origin: germline. Affected: yes.
Comment: Not observed at significant frequency in large population cohorts (gnomAD); In silico analysis suggests that this missense variant does not alter protein structure/function; Has not been previously published as pathogenic or benign to our knowledge

NM_000836.4(GRIN2D):c.1069G>T (p.Gly357Cys)

Gene: GRIN2D (glutamate ionotropic receptor NMDA type subunit 2D; plus strand). Cytogenetic location: 19q13.33.
Variant type: single nucleotide variant.
Coding change: c.1069G>T on transcript NM_000836.4 (MANE Select); coding-DNA position 1069, G replaced by T.
Protein change: p.Gly357Cys; replaces glycine 357 with cysteine.
Molecular consequence: missense variant.
Genome position (GRCh38, 1-based): chr19:48,405,337, G>T. VCF-style: chr19-48405337-G-T. GRCh37 (hg19) VCF-style: chr19-48908594-G-T.
Other names: short protein forms G357C.
Identifiers: ClinVar variation 4528103 (VCV004528103.1).
Genomic context (GRCh38, chr19:48,405,337, plus strand): 5'-GATTATGGTTTCCTTCCTGAGCTCGGCCACGACTGTCGCGCCCAGAACCGCACCCACCGC[G>T]GCGAGAGTCTGCATAGGTGAGTGGGGCTGGAATGGGAGGGGTGTGGGAGGGCTCCCAGAG-3'
Protein context (NP_000827.2, residues 347-367): DCRAQNRTHR[Gly357Cys]ESLHRYFMNI